The following is an entry in ClinVar:

ClinVar aggregate classification (germline): Uncertain significance (1 of 4 stars; one submission).

Conditions:
Charcot-Marie-Tooth disease type 4. Also called: Charcot-Marie-Tooth, Type 4; Charcot-Marie-Tooth disease, type IV. Identifiers: Orphanet 64749, MedGen C4082197, MONDO:0018995.

Allele frequency attached by ClinVar (database versions not stated): gnomAD exomes below 0.00001.
gnomAD v4.1: 5 of 1,614,154 alleles (0.00031%); highest among the groups gnomAD compares: Admixed American, 0.0083%; no homozygotes.

Submission:

Labcorp Genetics (formerly Invitae), Labcorp
Classification: Uncertain significance for Charcot-Marie-Tooth disease type 4. Last evaluated: 2025-12-29. Review status: criteria provided, single submitter. Criteria: Invitae Variant Classification Sherloc (09022015). Collection method: clinical testing. Allele origin: germline.
Comment: This sequence change replaces glutamine, which is neutral and polar, with arginine, which is basic and polar, at codon 1313 of the SBF2 protein (p.Gln1313Arg). This variant is not present in population databases (gnomAD no frequency). This variant has not been reported in the literature in individuals affected with SBF2-related conditions. ClinVar contains an entry for this variant (Variation ID: 476929). Invitae Evidence Modeling of protein sequence and biophysical properties (such as structural, functional, and spatial information, amino acid conservation, physicochemical variation, residue mobility, and thermodynamic stability) indicates that this missense variant is not expected to disrupt SBF2 protein function with a negative predictive value of 80%. In summary, the available evidence is currently insufficient to determine the role of this variant in disease. Therefore, it has been classified as a Variant of Uncertain Significance.

NM_030962.4(SBF2):c.3938A>G (p.Gln1313Arg)

Gene: SBF2 (SET binding factor 2; minus strand). Cytogenetic location: 11p15.4.
Variant type: single nucleotide variant.
Coding change: c.3938A>G on transcript NM_030962.4 (MANE Select); coding-DNA position 3938, A replaced by G.
Protein change: p.Gln1313Arg; replaces glutamine 1313 with arginine.
Molecular consequence: missense variant.
Genome position (GRCh38, 1-based): chr11:9,816,880, T>C on the plus strand (A>G on the coding strand, the complement: SBF2 is on the minus strand). VCF-style: chr11-9816880-T-C. GRCh37 (hg19) VCF-style: chr11-9838427-T-C.
Other names: c.4034A>G, p.Gln1345Arg (NM_001386339.1); c.3809A>G, p.Gln1270Arg (NM_001386342.1); short protein forms Q1313R, Q1270R, Q1345R.
Identifiers: ClinVar variation 476929 (VCV000476929.8), dbSNP rs1554909178, ClinGen allele CA379644347.
Genomic context (GRCh38, chr11:9,816,880, plus strand): 5'-TGAGAAAAAAGAAATCTTACCCTTAGTTGCGACTTTTCACCAAATATGTAAAGGGCTGCT[T>C]GCCGTTTCAAGAGCTGGTTTTGTAGGTAGCTGCTGTTACTGAAGGAGGCCGAGTGATCCT-3'
Protein context (NP_112224.1, residues 1303-1323): SYLQNQLLKR[Gln1313Arg]AALYIFGEKS